The following is an entry in ClinVar:

ClinVar aggregate classification (germline): Likely benign (1 of 4 stars; one submission).

Conditions:
ASIP-related condition.

gnomAD v4.1: 5 of 1,613,916 alleles (0.00031%); highest among the groups gnomAD compares: Admixed American, 0.0033%; no homozygotes.

Submission:

PreventionGenetics, part of Exact Sciences
Classification: Likely benign for ASIP-related condition. Last evaluated: 2025-04-23. Review status: criteria provided, single submitter. Criteria: ACMG Guidelines, 2015. Collection method: clinical testing. Allele origin: germline.
Comment: This variant is classified as likely benign based on ACMG/AMP sequence variant interpretation guidelines (Richards et al. 2015 PMID: 25741868, with internal and published modifications).

NM_001672.3(ASIP):c.21C>G (p.Leu7=)

Genes: AHCY (adenosylhomocysteinase; minus strand), ASIP (agouti signaling protein; plus strand). Cytogenetic location: 20q11.22.
Variant type: single nucleotide variant.
Coding change: c.21C>G on transcript NM_001672.3 (MANE Select); coding-DNA position 21, C replaced by G.
Protein change: p.Leu7=; no amino-acid change (leucine 7 retained).
Molecular consequence: synonymous variant.
Genome position (GRCh38, 1-based): chr20:34,260,395, C>G. VCF-style: chr20-34260395-C-G. GRCh37 (hg19) VCF-style: chr20-32848201-C-G.
Other names: c.21C>G, p.Leu7= (NM_001385218.1).
Identifiers: ClinVar variation 4984938 (VCV004984938.1).